The following is an entry in ClinVar:

NM_001256627.2(BRSK2):c.1815C>T (p.Asn605=)

Gene: BRSK2 (BR serine/threonine kinase 2; plus strand). Cytogenetic location: 11p15.5.
Variant type: single nucleotide variant.
Coding change: c.1815C>T on transcript NM_001256627.2 (MANE Select); coding-DNA position 1815, C replaced by T.
Protein change: p.Asn605=; no amino-acid change (asparagine 605 retained).
Molecular consequence: synonymous variant. On other transcripts: non-coding transcript variant (1).
Genome position (GRCh38, 1-based): chr11:1,456,494, C>T. VCF-style: chr11-1456494-C-T. GRCh37 (hg19) VCF-style: chr11-1477724-C-T.
Other names: c.1815C>T, p.Asn605= (NM_001256629.2, NM_003957.4); c.1953C>T, p.Asn651= (NM_001256630.1); c.1635C>T, p.Asn545= (NM_001282218.2).
Identifiers: ClinVar variation 1694586 (VCV001694586.31), dbSNP rs199989188, ClinGen allele CA5811221.
Genomic context (GRCh38, chr11:1,456,494, plus strand): 5'-GCCGGTCAAGTTCCAGGTTGATATCACCTACACGGAGGGTGGGGAGGCGCAGAAGGAGAA[C>T]GGCATCTACTCCGTCACCTTCACCCTGCTCTCAGGTGAGCTGGCGCCCCCAGGGCGGCTC-3'
Protein context (NP_001243556.1, residues 595-615): YTEGGEAQKE[Asn605=]GIYSVTFTLL

ClinVar aggregate classification (germline): Likely benign (1 of 4 stars; one submission).

Allele frequency attached by ClinVar (database versions not stated): ExAC 0.00008; ESP Exome Variant Server 0.00016; 1000 Genomes Project 30x 0.00031; 1000 Genomes Project 0.00040.
gnomAD v4.1: 245 of 1,575,334 alleles (0.016%); highest among the groups gnomAD compares: Non-Finnish European, 0.019%; no homozygotes.

Submission:

CeGaT Center for Human Genetics Tuebingen
Classification: Likely benign. Last evaluated: 2025-07-01. Review status: criteria provided, single submitter. Criteria: CeGaT Center For Human Genetics Tuebingen Variant Classification Criteria Version 2. Collection method: clinical testing. Allele origin: germline. Affected: yes. Observed: 2 variant alleles.
Comment: BRSK2: BP4, BP7